The following is an entry in ClinVar:

NM_001378457.1(DMXL2):c.3121G>C (p.Asp1041His)

Gene: DMXL2 (Dmx like 2; minus strand). Cytogenetic location: 15q21.2.
Variant type: single nucleotide variant.
Coding change: c.3121G>C on transcript NM_001378457.1 (MANE Select); coding-DNA position 3121, G replaced by C.
Protein change: p.Asp1041His; replaces aspartic acid 1041 with histidine.
Molecular consequence: missense variant. On other transcripts: non-coding transcript variant (2), intron variant (2).
Genome position (GRCh38, 1-based): chr15:51,500,103, C>G on the plus strand (G>C on the coding strand, the complement: DMXL2 is on the minus strand). VCF-style: chr15-51500103-C-G. GRCh37 (hg19) VCF-style: chr15-51792300-C-G.
Other names: c.3121G>C, p.Asp1041His (NM_001174116.3, NM_001378458.1, NM_001378459.1 and 4 more transcripts); c.2881G>C, p.Asp961His (NM_001378464.1); c.2764+7031G>C (NM_001378460.1); c.2765-4969G>C (NM_001174117.3); short protein forms D1041H, D961H.
Identifiers: ClinVar variation 3768455 (VCV003768455.1).

ClinVar aggregate classification (germline): Uncertain significance (1 of 4 stars; one submission).

Submission:

Women's Health and Genetics/Laboratory Corporation of America, LabCorp
Classification: Uncertain significance. Last evaluated: 2024-12-31. Review status: criteria provided, single submitter. Criteria: LabCorp Variant Classification Summary - May 2015. Collection method: clinical testing. Allele origin: germline.
Comment: Variant summary: DMXL2 c.3121G>C (p.Asp1041His) results in a non-conservative amino acid change in the encoded protein sequence. Three of four in-silico tools predict a benign effect of the variant on protein function. The variant was absent in 251270 control chromosomes (gnomAD v2.1). The available data on variant occurrences in the general population are insufficient to allow any conclusion about variant significance. To our knowledge, no occurrence of c.3121G>C in individuals affected with DMXL2-Related Disorders and no experimental evidence demonstrating its impact on protein function have been reported. No submitters have cited clinical-significance assessments for this variant to ClinVar. Based on the evidence outlined above, the variant was classified as uncertain significance.